The following is an entry in ClinVar:

ClinVar aggregate classification (germline): Uncertain significance (1 of 4 stars; one submission).

Submission:

GeneDx
Classification: Uncertain significance. Last evaluated: 2019-10-18. Review status: criteria provided, single submitter. Criteria: GeneDx Variant Classification Process June 2021. Collection method: clinical testing. Allele origin: germline. Affected: yes.
Comment: Not observed in large population cohorts (Lek et al., 2016); In silico analysis, which includes protein predictors and evolutionary conservation, supports that this variant does not alter protein structure/function; Has not been previously published as pathogenic or benign to our knowledge

NM_005619.5(RTN2):c.934C>G (p.Pro312Ala)

Genes: OPA3-RTN2 (OPA3-RTN2 readthrough; minus strand), RTN2 (reticulon 2; minus strand). Cytogenetic location: 19q13.32.
Variant type: single nucleotide variant.
Coding change: c.934C>G on transcript NM_005619.5 (MANE Select); coding-DNA position 934, C replaced by G.
Protein change: p.Pro312Ala; replaces proline 312 with alanine.
Molecular consequence: missense variant. On other transcripts: intron variant (1).
Genome position (GRCh38, 1-based): chr19:45,493,259, G>C on the plus strand (C>G on the coding strand, the complement: RTN2 is on the minus strand). VCF-style: chr19-45493259-G-C. GRCh37 (hg19) VCF-style: chr19-45996517-G-C.
Other names: c.814+907C>G (NM_206900.3); short protein forms P312A.
Identifiers: ClinVar variation 1309070 (VCV001309070.2), dbSNP rs2122224100, ClinGen allele CA406358446.